The following is an entry in ClinVar:

NM_000199.5(SGSH):c.354_355+30del

Gene: SGSH (N-sulfoglucosamine sulfohydrolase; minus strand). Cytogenetic location: 17q25.3.
Variant type: Deletion.
Coding change: c.354_355+30del on transcript NM_000199.5 (MANE Select); coding-DNA position 354 through 30 bases into the intron after coding-DNA position 355, 32 bases deleted.
Molecular consequence: splice donor variant.
Genome position (GRCh38, 1-based): chr17:80,215,003-80,215,034, 32 bases deleted. GRCh37 (hg19): chr17:78,188,802-78,188,833.
Other names: c.354_355+30del (NM_001352921.3, NM_001352922.2).
Identifiers: ClinVar variation 4817908 (VCV004817908.1).

ClinVar aggregate classification (germline): Likely pathogenic (1 of 4 stars; one submission).

Conditions:
Mucopolysaccharidosis, MPS-III-A (MPS3A). Also called: Mucopolysaccharidosis, type IIIA; mucopolysaccharidosis type 3A; MPS IIIA (Sanfilippo Syndrome Type A); HEPARAN SULFATE SULFATASE DEFICIENCY; SANFILIPPO SYNDROME A; SULFAMIDASE DEFICIENCY. Identifiers: Orphanet 581, Orphanet 79269, MedGen C0086647, MONDO:0009655, OMIM 252900.

Submission:

Natera, Inc.
Classification: Likely pathogenic for Mucopolysaccharidosis type IIIA. Last evaluated: 2025-07-17. Review status: criteria provided, single submitter. Criteria: Natera Variant Classification Schema (03/2026). Collection method: clinical testing. Allele origin: germline.
Comment: The c.354_355+30del variant in SGSH is a frameshift variant predicted to shift the reading frame and introduce a stop codon. This variant is expected to result in nonsense mediated decay, truncation, or a dysfunctional protein product. This variant is rare in the general population with a frequency below the threshold expected for the associated phenotype(s). Given the available evidence, this variant is classified as Likely Pathogenic.